The following is an entry in ClinVar:

NM_001743.6(CALM2):c.414C>A (p.Asn138Lys)

Gene: CALM2 (calmodulin 2; minus strand). Cytogenetic location: 2p21.
Variant type: single nucleotide variant.
Coding change: c.414C>A on transcript NM_001743.6 (MANE Select); coding-DNA position 414, C replaced by A.
Protein change: p.Asn138Lys; replaces asparagine 138 with lysine.
Molecular consequence: missense variant.
Genome position (GRCh38, 1-based): chr2:47,161,730, G>T on the plus strand (C>A on the coding strand, the complement: CALM2 is on the minus strand). VCF-style: chr2-47161730-G-T. GRCh37 (hg19) VCF-style: chr2-47388869-G-T.
Other names: c.558C>A, p.Asn186Lys (NM_001305624.1); c.306C>A, p.Asn102Lys (NM_001305625.2, NM_001305626.1); short protein forms N102K, N138K, N186K.
Identifiers: ClinVar variation 650245 (VCV000650245.12), dbSNP rs1553431702, ClinGen allele CA346719009.

ClinVar aggregate classification (germline): Uncertain significance (1 of 4 stars; one submission).

Conditions:
Long QT syndrome 1 (LQT1). Identifiers: Orphanet 101016, Orphanet 768, MedGen C4551647, MONDO:0100316, OMIM 192500, MONDO:0008646.

Submission:

Labcorp Genetics (formerly Invitae), Labcorp
Classification: Uncertain significance for Long QT syndrome 1. Last evaluated: 2019-05-15. Review status: criteria provided, single submitter. Criteria: Invitae Variant Classification Sherloc (09022015). Collection method: clinical testing. Allele origin: germline.
Comment: In summary, the available evidence is currently insufficient to determine the role of this variant in disease. Therefore, it has been classified as a Variant of Uncertain Significance. Algorithms developed to predict the effect of missense changes on protein structure and function are either unavailable or do not agree on the potential impact of this missense change (SIFT: "Deleterious"; PolyPhen-2: "Benign"; Align-GVGD: "Class C65"). This variant has not been reported in the literature in individuals with CALM2-related disease. This variant is not present in population databases (ExAC no frequency). This sequence change replaces asparagine with lysine at codon 138 of the CALM2 protein (p.Asn138Lys). The asparagine residue is highly conserved and there is a moderate physicochemical difference between asparagine and lysine.